The following is an entry in ClinVar:

ClinVar aggregate classification (germline): Uncertain significance (0 of 4 stars; one submission).

Conditions:
MED13-related disorder. Also called: MED13-related condition.

Submission:

PreventionGenetics, part of Exact Sciences
Classification: Uncertain significance for MED13-related condition. Last evaluated: 2024-05-06. Review status: no assertion criteria provided. Collection method: clinical testing. Allele origin: germline.
Comment: The MED13 c.6291G>T variant is predicted to result in the amino acid substitution p.Lys2097Asn. Of note, this nucleotide change is at the last base of exon 28 and is predicted to nearly totally abolish the splice donor site signal (SpliceAI and Alamut Visual Plus v1.6.1). To our knowledge, this variant has not been reported in the literature or in a large population database, indicating this variant is rare. At this time, the clinical significance of this variant is uncertain due to the absence of conclusive functional and genetic evidence.

NM_005121.3(MED13):c.6291G>T (p.Lys2097Asn)

Gene: MED13 (mediator complex subunit 13; minus strand). Cytogenetic location: 17q23.2.
Variant type: single nucleotide variant.
Coding change: c.6291G>T on transcript NM_005121.3 (MANE Select); coding-DNA position 6291, G replaced by T.
Protein change: p.Lys2097Asn; replaces lysine 2097 with asparagine.
Molecular consequence: missense variant.
Genome position (GRCh38, 1-based): chr17:61,950,825, C>A on the plus strand (G>T on the coding strand, the complement: MED13 is on the minus strand). VCF-style: chr17-61950825-C-A. GRCh37 (hg19) VCF-style: chr17-60028186-C-A.
Other names: short protein forms K2097N.
Identifiers: ClinVar variation 3345503 (VCV003345503.1).